The following is an entry in ClinVar:

ClinVar aggregate classification (germline): Uncertain significance (1 of 4 stars; one submission).

Conditions:
Autosomal recessive limb-girdle muscular dystrophy type 2Y (MRRSDC). Also called: Muscular dystrophy, limb-girdle, type 2y; Muscular dystrophy, autosomal recessive, with rigid spine and distal joint contractures. Identifiers: Orphanet 424261, MedGen C4511482, MONDO:0014900, OMIM 617072.

Submission:

Labcorp Genetics (formerly Invitae), Labcorp
Classification: Uncertain significance for Autosomal recessive limb-girdle muscular dystrophy type 2Y. Last evaluated: 2022-07-18. Review status: criteria provided, single submitter. Criteria: Invitae Variant Classification Sherloc (09022015). Collection method: clinical testing. Allele origin: germline.
Comment: This variant has not been reported in the literature in individuals affected with TOR1AIP1-related conditions. This variant is not present in population databases (gnomAD no frequency). This sequence change replaces glutamic acid, which is acidic and polar, with glutamine, which is neutral and polar, at codon 88 of the TOR1AIP1 protein (p.Glu88Gln). ClinVar contains an entry for this variant (Variation ID: 661568). In summary, the available evidence is currently insufficient to determine the role of this variant in disease. Therefore, it has been classified as a Variant of Uncertain Significance. Algorithms developed to predict the effect of missense changes on protein structure and function output the following: SIFT: "Tolerated"; PolyPhen-2: "Benign"; Align-GVGD: "Class C0". The glutamine amino acid residue is found in multiple mammalian species, which suggests that this missense change does not adversely affect protein function.

NM_015602.4(TOR1AIP1):c.262G>C (p.Glu88Gln)

Genes: TOR1AIP1 (torsin 1A interacting protein 1; plus strand), LOC112577517 (Sharpr-MPRA regulatory region 13766; plus strand). Cytogenetic location: 1q25.2.
Variant type: single nucleotide variant.
Coding change: c.262G>C on transcript NM_015602.4 (MANE Select); coding-DNA position 262, G replaced by C.
Protein change: p.Glu88Gln; replaces glutamic acid 88 with glutamine.
Molecular consequence: missense variant.
Genome position (GRCh38, 1-based): chr1:179,882,764, G>C. VCF-style: chr1-179882764-G-C. GRCh37 (hg19) VCF-style: chr1-179851899-G-C.
Other names: c.262G>C, p.Glu88Gln (NM_001267578.2); short protein forms E88Q.
Identifiers: ClinVar variation 661568 (VCV000661568.6), dbSNP rs1571719035, ClinGen allele CA343577945.